The following is an entry in ClinVar:

ClinVar aggregate classification (germline): Uncertain significance (1 of 4 stars; one submission).

Conditions:
Hajdu-Cheney syndrome (HJCYS). Also called: Acroosteolysis dominant type; ACROOSTEOLYSIS WITH OSTEOPOROSIS AND CHANGES IN SKULL AND MANDIBLE; SERPENTINE FIBULA-POLYCYSTIC KIDNEY SYNDROME. Identifiers: Orphanet 955, MedGen C0917715, MONDO:0007057, OMIM 102500.

Allele frequency attached by ClinVar (database versions not stated): ExAC 0.00001; ESP Exome Variant Server 0.00008.

Submission:

Labcorp Genetics (formerly Invitae), Labcorp
Classification: Uncertain significance for Hajdu-Cheney syndrome. Last evaluated: 2023-06-04. Review status: criteria provided, single submitter. Criteria: Invitae Variant Classification Sherloc (09022015). Collection method: clinical testing. Allele origin: germline.
Comment: This sequence change replaces leucine, which is neutral and non-polar, with phenylalanine, which is neutral and non-polar, at codon 566 of the NOTCH2 protein (p.Leu566Phe). Advanced modeling of protein sequence and biophysical properties (such as structural, functional, and spatial information, amino acid conservation, physicochemical variation, residue mobility, and thermodynamic stability) performed at Invitae indicates that this missense variant is not expected to disrupt NOTCH2 protein function. In summary, the available evidence is currently insufficient to determine the role of this variant in disease. Therefore, it has been classified as a Variant of Uncertain Significance. This variant has not been reported in the literature in individuals affected with NOTCH2-related conditions. This variant is present in population databases (rs376783592, gnomAD 0.0009%).

NM_024408.4(NOTCH2):c.1698G>T (p.Leu566Phe)

Gene: NOTCH2 (notch receptor 2; minus strand). Cytogenetic location: 1p12.
Variant type: single nucleotide variant.
Coding change: c.1698G>T on transcript NM_024408.4 (MANE Select); coding-DNA position 1698, G replaced by T.
Protein change: p.Leu566Phe; replaces leucine 566 with phenylalanine.
Molecular consequence: missense variant.
Genome position (GRCh38, 1-based): chr1:119,963,791, C>A on the plus strand (G>T on the coding strand, the complement: NOTCH2 is on the minus strand). VCF-style: chr1-119963791-C-A. GRCh37 (hg19) VCF-style: chr1-120506414-C-A.
Other names: c.1698G>T, p.Leu566Phe (NM_001200001.2); short protein forms L566F.
Identifiers: ClinVar variation 2782575 (VCV002782575.3), dbSNP rs376783592, ClinGen allele CA1040461.